The following is an entry in ClinVar:

ClinVar aggregate classification (germline): Uncertain significance. Review status: criteria provided, multiple submitters, no conflicts (2 of 4 stars). 2 submissions from 2 submitters: Uncertain significance (2). Last evaluated 2025-12-28.

Allele frequency attached by ClinVar (database versions not stated): TOPMed 0.00002; 1000 Genomes Project 30x 0.00031; gnomAD exomes 0.00001; ExAC 0.00005; gnomAD 0.00001; 1000 Genomes Project 0.00020.
gnomAD v4.1: 20 of 1,614,016 alleles (0.0012%); highest among the groups gnomAD compares: Admixed American, 0.022%; no homozygotes.

Submissions (2):

Labcorp Genetics (formerly Invitae), Labcorp
Classification: Uncertain significance. Last evaluated: 2025-12-28. Review status: criteria provided, single submitter. Criteria: Invitae Variant Classification Sherloc (09022015). Collection method: clinical testing. Allele origin: germline.
Comment: This sequence change replaces alanine, which is neutral and non-polar, with glycine, which is neutral and non-polar, at codon 923 of the ROR1 protein (p.Ala923Gly). This variant is present in population databases (rs202134610, gnomAD 0.03%). This variant has not been reported in the literature in individuals affected with ROR1-related conditions. ClinVar contains an entry for this variant (Variation ID: 2336321). An algorithm developed to predict the effect of missense changes on protein structure and function (PolyPhen-2) suggests that this variant is likely to be tolerated. In summary, the available evidence is currently insufficient to determine the role of this variant in disease. Therefore, it has been classified as a Variant of Uncertain Significance.

Ambry Genetics
Classification: Uncertain significance. Last evaluated: 2022-12-16. Review status: criteria provided, single submitter. Criteria: Ambry Variant Classification Scheme 2023. Collection method: clinical testing. Allele origin: germline.

NM_005012.4(ROR1):c.2768C>G (p.Ala923Gly)

Gene: ROR1 (receptor tyrosine kinase like orphan receptor 1; plus strand). Cytogenetic location: 1p31.3.
Variant type: single nucleotide variant.
Coding change: c.2768C>G on transcript NM_005012.4 (MANE Select); coding-DNA position 2768, C replaced by G.
Protein change: p.Ala923Gly; replaces alanine 923 with glycine.
Molecular consequence: missense variant.
Genome position (GRCh38, 1-based): chr1:64,178,809, C>G. VCF-style: chr1-64178809-C-G. GRCh37 (hg19) VCF-style: chr1-64644492-C-G.
Other names: short protein forms A923G.
Identifiers: ClinVar variation 2336321 (VCV002336321.5), dbSNP rs202134610, ClinGen allele CA890471.